The following is an entry in ClinVar:

NM_178857.6(RP1L1):c.5612C>T (p.Ser1871Leu)

Gene: RP1L1 (RP1 like 1). Cytogenetic location: 8p23.1.
Variant type: single nucleotide variant.
Coding change: c.5612C>T on transcript NM_178857.6 (MANE Select); coding-DNA position 5612, C replaced by T.
Protein change: p.Ser1871Leu; replaces serine 1871 with leucine.
Molecular consequence: missense variant.
Genome position (GRCh38, 1-based): chr8:10,608,486, G>A on the plus strand (C>T on the coding strand, the complement: RP1L1 is on the minus strand). VCF-style: chr8-10608486-G-A. GRCh37 (hg19) VCF-style: chr8-10465996-G-A.
Other names: short protein forms S1871L.
Identifiers: ClinVar variation 5041880 (VCV005041880.1).

ClinVar aggregate classification (germline): Likely benign (1 of 4 stars; one submission).

gnomAD v4.1: 4 of 1,594,028 alleles (0.00025%); highest among the groups gnomAD compares: East Asian, 0.0023%; no homozygotes.

Submission:

CeGaT Center for Human Genetics Tuebingen
Classification: Likely benign. Last evaluated: 2026-07-01. Review status: criteria provided, single submitter. Criteria: CeGaT Center For Human Genetics Tuebingen Variant Classification Criteria Version 2. Collection method: clinical testing. Allele origin: germline. Affected: yes. Observed: 1 variant allele.
Comment: RP1L1: BP4